The following is an entry in ClinVar:

ClinVar aggregate classification (germline): Uncertain significance. Review status: criteria provided, multiple submitters, no conflicts (2 of 4 stars). 2 submissions from 2 submitters: Uncertain significance (2). Last evaluated 2024-10-24.

Allele frequency attached by ClinVar (database versions not stated): TOPMed 0.00002; gnomAD 0.00001.
gnomAD v4.1: 32 of 1,614,064 alleles (0.002%); highest among the groups gnomAD compares: Non-Finnish European, 0.0026%; no homozygotes.

Submissions (2):

Labcorp Genetics (formerly Invitae), Labcorp
Classification: Uncertain significance. Last evaluated: 2024-10-24. Review status: criteria provided, single submitter. Criteria: Invitae Variant Classification Sherloc (09022015). Collection method: clinical testing. Allele origin: germline.
Comment: This sequence change replaces threonine, which is neutral and polar, with serine, which is neutral and polar, at codon 517 of the ACO2 protein (p.Thr517Ser). This variant is present in population databases (rs766008410, gnomAD 0.004%). This variant has not been reported in the literature in individuals affected with ACO2-related conditions. ClinVar contains an entry for this variant (Variation ID: 1486673). Invitae Evidence Modeling of protein sequence and biophysical properties (such as structural, functional, and spatial information, amino acid conservation, physicochemical variation, residue mobility, and thermodynamic stability) indicates that this missense variant is not expected to disrupt ACO2 protein function with a negative predictive value of 80%. In summary, the available evidence is currently insufficient to determine the role of this variant in disease. Therefore, it has been classified as a Variant of Uncertain Significance.

GeneDx
Classification: Uncertain significance. Last evaluated: 2023-08-07. Review status: criteria provided, single submitter. Criteria: GeneDx Variant Classification Process June 2021. Collection method: clinical testing. Allele origin: germline.
Comment: Not observed at significant frequency in large population cohorts (gnomAD); In silico analysis supports that this missense variant does not alter protein structure/function; Has not been previously published as pathogenic or benign to our knowledge

NM_001098.3(ACO2):c.1549A>T (p.Thr517Ser)

Gene: ACO2 (aconitase 2; plus strand). Cytogenetic location: 22q13.2.
Variant type: single nucleotide variant.
Coding change: c.1549A>T on transcript NM_001098.3 (MANE Select); coding-DNA position 1549, A replaced by T.
Protein change: p.Thr517Ser; replaces threonine 517 with serine.
Molecular consequence: missense variant.
Genome position (GRCh38, 1-based): chr22:41,524,912, A>T. VCF-style: chr22-41524912-A-T. GRCh37 (hg19) VCF-style: chr22-41920916-A-T.
Other names: c.1549A>T (NM_001098.2); short protein forms T517S.
Identifiers: ClinVar variation 1486673 (VCV001486673.8), dbSNP rs766008410, ClinGen allele CA10257695.